The following is an entry in ClinVar:

ClinVar aggregate classification (germline): Pathogenic (1 of 4 stars; one submission).

Conditions:
Leber congenital amaurosis 13 (LCA13). Identifiers: MedGen C2675186, MONDO:0012990, OMIM 612712.

Submission:

Labcorp Genetics (formerly Invitae), Labcorp
Classification: Pathogenic for Leber congenital amaurosis 13. Last evaluated: 2023-09-21. Review status: criteria provided, single submitter. Criteria: Invitae Variant Classification Sherloc (09022015). Collection method: clinical testing. Allele origin: germline.
Comment: For these reasons, this variant has been classified as Pathogenic. This variant disrupts a region of the RDH12 protein in which other variant(s) (p.Trp304*) have been determined to be pathogenic (PMID: 20736127, 24625443; Invitae). This suggests that this is a clinically significant region of the protein, and that variants that disrupt it are likely to be disease-causing. This variant has not been reported in the literature in individuals affected with RDH12-related conditions. This variant is not present in population databases (gnomAD no frequency). This sequence change creates a premature translational stop signal (p.Leu266Cysfs*12) in the RDH12 gene. While this is not anticipated to result in nonsense mediated decay, it is expected to disrupt the last 51 amino acid(s) of the RDH12 protein.

Literature cited by the submitters: PubMed 20736127; PubMed 24625443.

NM_152443.3(RDH12):c.796del (p.Leu266fs)

Genes: ZFYVE26 (zinc finger FYVE-type containing 26; minus strand), GPHN (gephyrin; plus strand), RDH12 (retinol dehydrogenase 12; plus strand). Cytogenetic location: 14q24.1.
Variant type: Deletion.
Coding change: c.796del on transcript NM_152443.3 (MANE Select); coding-DNA position 796, one base deleted (C; older notation c.796delC).
Protein change: p.Leu266fs; shifts the reading frame from leucine 266.
Molecular consequence: frameshift variant.
Genome position (GRCh38, 1-based): chr14:67,729,328, C deleted; the last of 2 consecutive C bases (chr14:67,729,327-67,729,328); deleting either gives the same sequence. VCF-style (leftmost placement, unchanged base first): chr14-67729326-GC-G. GRCh37 (hg19) VCF-style: chr14-68196043-GC-G.
Other names: short protein forms L266fs.
Identifiers: ClinVar variation 2762319 (VCV002762319.3), dbSNP rs2503833731, ClinGen allele CA2697553958.